The following is an entry in ClinVar:

ClinVar aggregate classification (germline): Uncertain significance (1 of 4 stars; one submission).

Submission:

CeGaT Center for Human Genetics Tuebingen
Classification: Uncertain significance. Last evaluated: 2026-08-01. Review status: criteria provided, single submitter. Criteria: CeGaT Center For Human Genetics Tuebingen Variant Classification Criteria Version 2. Collection method: clinical testing. Allele origin: germline. Affected: yes. Observed: 1 variant allele.
Comment: GATA6: PM2

NM_005257.6(GATA6):c.1129A>G (p.Ser377Gly)

Gene: GATA6 (GATA binding protein 6; plus strand). Cytogenetic location: 18q11.2.
Variant type: single nucleotide variant.
Coding change: c.1129A>G on transcript NM_005257.6 (MANE Select); coding-DNA position 1129, A replaced by G.
Protein change: p.Ser377Gly; replaces serine 377 with glycine.
Molecular consequence: missense variant.
Genome position (GRCh38, 1-based): chr18:22,172,273, A>G. VCF-style: chr18-22172273-A-G. GRCh37 (hg19) VCF-style: chr18-19752234-A-G.
Other names: short protein forms S377G.
Identifiers: ClinVar variation 5040520 (VCV005040520.1).